The following is an entry in ClinVar:

ClinVar aggregate classification (germline): Conflicting classifications of pathogenicity. Review status: criteria provided, conflicting classifications (1 of 4 stars). 9 submissions from 9 submitters: Uncertain significance (1); Likely benign (7). 1 of the submissions does not count toward it. Last evaluated 2026-06-01.

Conditions:
SLC52A2-related disorder. Also called: SLC52A2-related condition.
Inborn genetic diseases. Identifiers: MedGen C0950123, MeSH D030342.
Brown-Vialetto-van Laere syndrome 2. Also called: Riboflavin transporter deficiency type 2; SPINOCEREBELLAR ATAXIA WITH BLINDNESS AND DEAFNESS 2. Identifiers: Orphanet 572543, Orphanet 97229, MedGen C3553538, MONDO:0013867, OMIM 614707.

Allele frequency attached by ClinVar (database versions not stated): gnomAD exomes 0.00066 and 0.00064; ESP Exome Variant Server 0.00062; ExAC 0.00072; gnomAD 0.00067 and 0.00068; TOPMed 0.00055.
gnomAD v4.1: 995 of 1,565,694 alleles (0.064%); highest among the groups gnomAD compares: Non-Finnish European, 0.076%; 2 homozygotes.

Submissions (9):

CeGaT Center for Human Genetics Tuebingen
Classification: Likely benign. Last evaluated: 2026-06-01. Review status: criteria provided, single submitter. Criteria: CeGaT Center For Human Genetics Tuebingen Variant Classification Criteria Version 2. Collection method: clinical testing. Allele origin: germline. Affected: yes. Observed: 3 variant alleles.
Comment: SLC52A2: BP4

Labcorp Genetics (formerly Invitae), Labcorp
Classification: Likely benign for Brown-Vialetto-van Laere syndrome 2. Last evaluated: 2026-01-28. Review status: criteria provided, single submitter. Criteria: Invitae Variant Classification Sherloc (09022015). Collection method: clinical testing. Allele origin: germline.

Laboratory of Genetics, Children's Clinical University Hospital Latvia
Classification: Likely benign. Last evaluated: 2025-02-16. Review status: criteria provided, single submitter. Criteria: ACMG Guidelines, 2015. Collection method: clinical testing. Allele origin: germline. Affected: yes.

Blueprint Genetics
Classification: Likely benign. Last evaluated: 2024-11-18. Review status: criteria provided, single submitter. Criteria: ACMG Guidelines, 2015. Collection method: clinical testing. Allele origin: germline.

GeneDx
Classification: Likely benign. Last evaluated: 2020-11-06. Review status: criteria provided, single submitter. Criteria: GeneDx Variant Classification Process June 2021. Collection method: clinical testing. Allele origin: germline. Affected: yes.

Greenwood Genetic Center Diagnostic Laboratories, Greenwood Genetic Center
Classification: Uncertain significance. Last evaluated: 2020-09-27. Review status: criteria provided, single submitter. Criteria: ACMG Guidelines, 2015. Collection method: clinical testing. Allele origin: germline. Affected: yes.

Ambry Genetics
Classification: Likely benign for Inborn genetic diseases. Last evaluated: 2019-07-11. Review status: criteria provided, single submitter. Criteria: Ambry Variant Classification Scheme 2023. Collection method: clinical testing. Allele origin: germline.

Laboratory for Molecular Medicine, Mass General Brigham Personalized Medicine
Classification: Likely benign. Last evaluated: 2017-08-23. Review status: criteria provided, single submitter. Criteria: LMM Criteria. Collection method: clinical testing. Allele origin: germline. Observed: 1 variant allele.
Comment: p.Leu374Leu in exon 4 of SLC52A2: This variant is not expected to have clinical significance because it does not alter an amino acid residue and is not located within the splice consensus sequence. It has been identified in 0.12% (76/63972) of European chromosomes by the Exome Aggregation Consortium (ExAC.; dbSNP rs144290224).

PreventionGenetics, part of Exact Sciences
Classification: Likely benign for SLC52A2-related condition. Last evaluated: 2020-01-14. Review status: no assertion criteria provided. Collection method: clinical testing. Allele origin: germline. Not counted in ClinVar's aggregate classification.
Comment: This variant is classified as likely benign based on ACMG/AMP sequence variant interpretation guidelines (Richards et al. 2015 PMID: 25741868, with internal and published modifications).

NM_001363118.2(SLC52A2):c.1122C>T (p.Leu374=)

Gene: SLC52A2 (solute carrier family 52 member 2; plus strand). Cytogenetic location: 8q24.3.
Variant type: single nucleotide variant.
Coding change: c.1122C>T on transcript NM_001363118.2 (MANE Select); coding-DNA position 1122, C replaced by T.
Protein change: p.Leu374=; no amino-acid change (leucine 374 retained).
Molecular consequence: synonymous variant. On other transcripts: non-coding transcript variant (1).
Genome position (GRCh38, 1-based): chr8:144,360,710, C>T. VCF-style: chr8-144360710-C-T. GRCh37 (hg19) VCF-style: chr8-145584370-C-T.
Other names: c.1122C>T, p.Leu374= (NM_001253815.2, NM_001253816.2, NM_001363120.2 and 2 more transcripts); c.630C>T, p.Leu210= (NM_001363122.2); c.1122C>T (NM_001253816.1).
Identifiers: ClinVar variation 392275 (VCV000392275.52), dbSNP rs144290224, ClinGen allele CA4938381.
Genomic context (GRCh38, chr8:144,360,710, plus strand): 5'-GGCGCTGGCAGTCCTGAGCCCCTGCCCGCCCCTGGTGGGCACCTCGGCGGGGGTGGTCCT[C>T]GTGGTGAGCACAGGGGGACATGAAGTGGGGTGGGGGGGCGTTGCCCTGGAGCAGGCACAT-3'
Protein context (NP_001350047.1, residues 364-384): PLVGTSAGVV[Leu374=]VVLSWVLCLG